The following is an entry in ClinVar:

ClinVar aggregate classification (germline): Uncertain significance. Review status: criteria provided, multiple submitters, no conflicts (2 of 4 stars). 2 submissions from 2 submitters: Uncertain significance (2). Last evaluated 2026-09-16.

Conditions:
Fetal akinesia deformation sequence 1 (FADS1). Also called: Pena-Shokeir syndrome type I; Fetal akinesia sequence. Identifiers: Orphanet 994, MedGen C1276035, MONDO:0100101, OMIM 208150, HP:0001989.
Congenital myasthenic syndrome 10. Also called: Myasthenia, limb-girdle, familial. Identifiers: Orphanet 590, MedGen C1850792, MONDO:0009690, OMIM 254300.

Allele frequency attached by ClinVar (database versions not stated): gnomAD exomes 0.00001; TOPMed 0.00002; gnomAD 0.00003; ExAC 0.00004.
gnomAD v4.1: 32 of 1,564,352 alleles (0.002%); highest among the groups gnomAD compares: South Asian, 0.013%; no homozygotes.

Submissions (2):

GeneDx
Classification: Uncertain significance. Last evaluated: 2026-09-16. Review status: criteria provided, single submitter. Criteria: GeneDx Variant Classification Process June 2021. Collection method: clinical testing. Allele origin: germline.
Comment: Not observed at significant frequency in large population cohorts (gnomAD); In silico analysis supports that this missense variant has a deleterious effect on protein structure/function; Has not been previously published as pathogenic or benign to our knowledge

Labcorp Genetics (formerly Invitae), Labcorp
Classification: Uncertain significance for Congenital myasthenic syndrome 10; Fetal akinesia deformation sequence 1. Last evaluated: 2025-08-18. Review status: criteria provided, single submitter. Criteria: Invitae Variant Classification Sherloc (09022015). Collection method: clinical testing. Allele origin: germline.
Comment: This sequence change replaces serine, which is neutral and polar, with leucine, which is neutral and non-polar, at codon 225 of the DOK7 protein (p.Ser225Leu). This variant is present in population databases (rs769699131, gnomAD 0.006%). This variant has not been reported in the literature in individuals affected with DOK7-related conditions. ClinVar contains an entry for this variant (Variation ID: 573469). Invitae Evidence Modeling of protein sequence and biophysical properties (such as structural, functional, and spatial information, amino acid conservation, physicochemical variation, residue mobility, and thermodynamic stability) indicates that this missense variant is not expected to disrupt DOK7 protein function with a negative predictive value of 80%. In summary, the available evidence is currently insufficient to determine the role of this variant in disease. Therefore, it has been classified as a Variant of Uncertain Significance.

NM_173660.5(DOK7):c.674C>T (p.Ser225Leu)

Gene: DOK7 (docking protein 7; plus strand). Cytogenetic location: 4p16.3.
Variant type: single nucleotide variant.
Coding change: c.674C>T on transcript NM_173660.5 (MANE Select); coding-DNA position 674, C replaced by T.
Protein change: p.Ser225Leu; replaces serine 225 with leucine.
Molecular consequence: missense variant. On other transcripts: synonymous variant (1), 5 prime UTR variant (1).
Genome position (GRCh38, 1-based): chr4:3,489,698, C>T. VCF-style: chr4-3489698-C-T. GRCh37 (hg19) VCF-style: chr4-3491425-C-T.
Other names: c.663C>T, p.Leu221= (NM_001164673.2); c.-257C>T (NM_001256896.2); c.674C>T, p.Ser225Leu (NM_001301071.2); c.242C>T, p.Ser81Leu (NM_001363811.2); short protein forms S225L, S81L.
Identifiers: ClinVar variation 573469 (VCV000573469.12), dbSNP rs769699131, ClinGen allele CA2829144.
Genomic context (GRCh38, chr4:3,489,698, plus strand): 5'-GGTGGCCACCTCCTCCACCGAGTCTTCTCTCTGCCACAGACCCAAGTCCCCCGGGACCCT[C>T]GACTGTGGAGGAGCGTGTGGCCCAGGAAGCCCTGGAAACCCTACAGCTGGAGAAGCGGCT-3'
Protein context (NP_775931.3, residues 215-235): VLPDPSPPGP[Ser225Leu]TVEERVAQEA